The following is an entry in ClinVar:

ClinVar aggregate classification (germline): Pathogenic (1 of 4 stars; one submission).

Conditions:
Hereditary cancer-predisposing syndrome. Also called: Hereditary neoplastic syndrome; Tumor predisposition; Hereditary Cancer Syndrome; Neoplastic Syndromes, Hereditary. Identifiers: Orphanet 140162, MedGen C0027672, MeSH D009386, MONDO:0015356.

Allele frequency attached by ClinVar (database versions not stated): gnomAD exomes below 0.00001.

Submission:

Color Diagnostics, LLC DBA Color Health
Classification: Pathogenic for Hereditary cancer-predisposing syndrome. Last evaluated: 2023-06-20. Review status: criteria provided, single submitter. Criteria: ACMG Guidelines, 2015. Collection method: clinical testing. Allele origin: germline.
Comment: This variant deletes 1 nucleotide in exon 13 of the BRIP1 gene, creating a frameshift and premature translation stop signal. This variant is expected to result in an absent or non-functional protein product. To our knowledge, this variant has not been reported in individuals affected with BRIP1-related disorders in the literature. This variant has not been identified in the general population by the Genome Aggregation Database (gnomAD). Loss of BRIP1 function is a known mechanism of disease. Based on the available evidence, this variant is classified as Pathogenic.

NM_032043.3(BRIP1):c.1890del (p.Phe631fs)

Gene: BRIP1 (BRCA1 interacting DNA helicase 1; minus strand). Cytogenetic location: 17q23.2.
Variant type: Deletion.
Coding change: c.1890del on transcript NM_032043.3 (MANE Select); coding-DNA position 1890, one base deleted (A; older notation c.1890delA).
Protein change: p.Phe631fs; shifts the reading frame from phenylalanine 631.
Molecular consequence: frameshift variant.
Genome position (GRCh38, 1-based): chr17:61,780,306, T deleted on the plus strand (A on the coding strand, the reverse complement: BRIP1 is on the minus strand). VCF-style (leftmost placement, unchanged base first): chr17-61780305-AT-A. GRCh37 (hg19) VCF-style: chr17-59857666-AT-A.
Other names: c.1890delA (NM_032043.2); short protein forms F631fs.
Identifiers: ClinVar variation 491419 (VCV000491419.5), dbSNP rs1555602154, ClinGen allele CA658684153.
Genomic context (GRCh38, chr17:61,780,305, plus strand): 5'-AAAAACAACAACTAACCTGTGAATTTTTAATGATATGATTAGCCTCCAGCTGGATAGTAA[AT>A]GTAACACCAAGTTCTGACGAAAAGGATTTCATTGGTGATAATGTACCAGATGTCAAAACA-3'